The following is an entry in ClinVar:

ClinVar aggregate classification (germline): Uncertain significance. Review status: criteria provided, multiple submitters, no conflicts (2 of 4 stars). 2 submissions from 2 submitters: Uncertain significance (2). Last evaluated 2022-12-14.

Allele frequency attached by ClinVar (database versions not stated): TOPMed below 0.00001; ExAC 0.00001; gnomAD 0.00001; gnomAD exomes 0.00002 and 0.00003.
gnomAD v4.1: 39 of 1,607,706 alleles (0.0024%); highest among the groups gnomAD compares: Non-Finnish European, 0.0032%; no homozygotes.

Submissions (2):

Blueprint Genetics
Classification: Uncertain significance. Last evaluated: 2022-12-14. Review status: criteria provided, single submitter. Criteria: ACMG Guidelines, 2015. Collection method: clinical testing. Allele origin: germline.

Labcorp Genetics (formerly Invitae), Labcorp
Classification: Uncertain significance. Last evaluated: 2021-12-24. Review status: criteria provided, single submitter. Criteria: Invitae Variant Classification Sherloc (09022015). Collection method: clinical testing. Allele origin: germline.
Comment: This sequence change replaces histidine, which is basic and polar, with arginine, which is basic and polar, at codon 64 of the PPA2 protein (p.His64Arg). This variant is present in population databases (rs770933084, gnomAD 0.004%). This variant has not been reported in the literature in individuals affected with PPA2-related conditions. Algorithms developed to predict the effect of missense changes on protein structure and function (SIFT, PolyPhen-2, Align-GVGD) all suggest that this variant is likely to be disruptive. In summary, the available evidence is currently insufficient to determine the role of this variant in disease. Therefore, it has been classified as a Variant of Uncertain Significance.

NM_176869.3(PPA2):c.191A>G (p.His64Arg)

Gene: PPA2 (inorganic pyrophosphatase 2; minus strand). Cytogenetic location: 4q24.
Variant type: single nucleotide variant.
Coding change: c.191A>G on transcript NM_176869.3 (MANE Select); coding-DNA position 191, A replaced by G.
Protein change: p.His64Arg; replaces histidine 64 with arginine.
Molecular consequence: missense variant. On other transcripts: intron variant (1).
Genome position (GRCh38, 1-based): chr4:105,456,712, T>C on the plus strand (A>G on the coding strand, the complement: PPA2 is on the minus strand). VCF-style: chr4-105456712-T-C. GRCh37 (hg19) VCF-style: chr4-106377869-T-C.
Other names: c.191A>G, p.His64Arg (NM_006903.4, NM_176866.2); c.157+17182A>G (NM_176867.3); short protein forms H64R.
Identifiers: ClinVar variation 1367177 (VCV001367177.6), dbSNP rs770933084, ClinGen allele CA3032686.